The following is an entry in ClinVar:

NM_001271.4(CHD2):c.761A>T (p.Asp254Val)

Gene: CHD2 (chromodomain helicase DNA binding protein 2; plus strand). Cytogenetic location: 15q26.1.
Variant type: single nucleotide variant.
Coding change: c.761A>T on transcript NM_001271.4 (MANE Select); coding-DNA position 761, A replaced by T.
Protein change: p.Asp254Val; replaces aspartic acid 254 with valine.
Molecular consequence: missense variant.
Genome position (GRCh38, 1-based): chr15:92,941,890, A>T. VCF-style: chr15-92941890-A-T. GRCh37 (hg19) VCF-style: chr15-93485120-A-T.
Other names: c.761A>T, p.Asp254Val (NM_001042572.3); short protein forms D254V.
Identifiers: ClinVar variation 1965515 (VCV001965515.5), dbSNP rs2505443474, ClinGen allele CA393900840.

ClinVar aggregate classification (germline): Uncertain significance (1 of 4 stars; one submission).

Conditions:
Developmental and epileptic encephalopathy 94 (DEE94). Also called: CHD2-Related Neurodevelopmental Disorders; Epileptic encephalopathy, childhood-onset. Identifiers: Orphanet 1942, Orphanet 2382, MedGen C3809278, MONDO:0014150, OMIM 615369.

Allele frequency attached by ClinVar (database versions not stated): gnomAD exomes below 0.00001.
gnomAD v4.1: 1 of 1,613,372 alleles (0.000062%); highest among the groups gnomAD compares: South Asian, 0.0011%; no homozygotes.

Submission:

Labcorp Genetics (formerly Invitae), Labcorp
Classification: Uncertain significance for Developmental and epileptic encephalopathy 94. Last evaluated: 2022-11-22. Review status: criteria provided, single submitter. Criteria: Invitae Variant Classification Sherloc (09022015). Collection method: clinical testing. Allele origin: germline.
Comment: In summary, the available evidence is currently insufficient to determine the role of this variant in disease. Therefore, it has been classified as a Variant of Uncertain Significance. Advanced modeling of protein sequence and biophysical properties (such as structural, functional, and spatial information, amino acid conservation, physicochemical variation, residue mobility, and thermodynamic stability) performed at Invitae indicates that this missense variant is not expected to disrupt CHD2 protein function. This sequence change replaces aspartic acid, which is acidic and polar, with valine, which is neutral and non-polar, at codon 254 of the CHD2 protein (p.Asp254Val). This variant is not present in population databases (gnomAD no frequency). This variant has not been reported in the literature in individuals affected with CHD2-related conditions.